The following is an entry in ClinVar:

ClinVar aggregate classification (germline): Uncertain significance (1 of 4 stars; one submission).

Conditions:
Hereditary diffuse gastric adenocarcinoma (HDGC). Also called: DIFFUSE GASTRIC AND LOBULAR BREAST CANCER SYNDROME. Identifiers: Orphanet 26106, MedGen C1708349, MONDO:0007648, OMIM 137215.

Submission:

Labcorp Genetics (formerly Invitae), Labcorp
Classification: Uncertain significance for Hereditary diffuse gastric adenocarcinoma. Last evaluated: 2024-12-18. Review status: criteria provided, single submitter. Criteria: Invitae Variant Classification Sherloc (09022015). Collection method: clinical testing. Allele origin: germline.
Comment: This sequence change replaces tryptophan, which is neutral and slightly polar, with serine, which is neutral and polar, at codon 865 of the CDH1 protein (p.Trp865Ser). This variant is not present in population databases (gnomAD no frequency). This variant has not been reported in the literature in individuals affected with CDH1-related conditions. An algorithm developed to predict the effect of missense changes on protein structure and function (PolyPhen-2) suggests that this variant is likely to be disruptive. In summary, the available evidence is currently insufficient to determine the role of this variant in disease. Therefore, it has been classified as a Variant of Uncertain Significance.

NM_004360.5(CDH1):c.2594G>C (p.Trp865Ser)

Gene: CDH1 (cadherin 1; plus strand). Cytogenetic location: 16q22.1.
Variant type: single nucleotide variant.
Coding change: c.2594G>C on transcript NM_004360.5 (MANE Select); coding-DNA position 2594, G replaced by C.
Protein change: p.Trp865Ser; replaces tryptophan 865 with serine.
Molecular consequence: missense variant.
Genome position (GRCh38, 1-based): chr16:68,833,444, G>C. VCF-style: chr16-68833444-G-C. GRCh37 (hg19) VCF-style: chr16-68867347-G-C.
Other names: c.2411G>C, p.Trp804Ser (NM_001317184.2); c.1046G>C, p.Trp349Ser (NM_001317185.2); c.629G>C, p.Trp210Ser (NM_001317186.2); short protein forms W210S, W349S, W804S, W865S.
Identifiers: ClinVar variation 3727562 (VCV003727562.2).
Genomic context (GRCh38, chr16:68,833,444, plus strand): 5'-TGAGCTCCCTGAACTCCTCAGAGTCAGACAAAGACCAGGACTATGACTACTTGAACGAAT[G>C]GGGCAATCGCTTCAAGAAGCTGGCTGACATGTACGGAGGCGGCGAGGACGACTAGGGGAC-3'
Protein context (NP_004351.1, residues 855-875): KDQDYDYLNE[Trp865Ser]GNRFKKLADM